The following is an entry in ClinVar:

ClinVar aggregate classification (germline): Uncertain significance (1 of 4 stars; one submission).

Submission:

Labcorp Genetics (formerly Invitae), Labcorp
Classification: Uncertain significance. Last evaluated: 2022-09-17. Review status: criteria provided, single submitter. Criteria: Invitae Variant Classification Sherloc (09022015). Collection method: clinical testing. Allele origin: germline.
Comment: In summary, the available evidence is currently insufficient to determine the role of this variant in disease. Therefore, it has been classified as a Variant of Uncertain Significance. Experimental studies and prediction algorithms are not available or were not evaluated, and the functional significance of this variant is currently unknown. This variant has not been reported in the literature in individuals affected with SLC12A3-related conditions. This variant is not present in population databases (gnomAD no frequency). This variant, c.2480_2506del, results in the deletion of 9 amino acid(s) of the SLC12A3 protein (p.Ala827_Gln835del), but otherwise preserves the integrity of the reading frame.

NM_001126108.2(SLC12A3):c.2453_2479del (p.Ala818_Gln826del)

Gene: SLC12A3 (solute carrier family 12 member 3; plus strand). Cytogenetic location: 16q13.
Variant type: Deletion.
Coding change: c.2453_2479del on transcript NM_001126108.2 (MANE Select); coding-DNA positions 2453 to 2479, 27 bases deleted (CCACCACCATCTTCCAGTCGGAGCAGG).
Protein change: p.Ala818_Gln826del.
Molecular consequence: inframe deletion. On other transcripts: inframe indel (1).
Genome position (GRCh38, 1-based): chr16:56,892,986-56,893,012, CCACCACCATCTTCCAGTCGGAGCAGG deleted; deleting any 27 consecutive bases within chr16:56,892,978-56,893,012 gives the same sequence; the c. name uses the placement nearest the transcript's 3' end. VCF-style (leftmost placement, unchanged base first): chr16-56892977-AGGAGCAGGCCACCACCATCTTCCAGTC-A. GRCh37 (hg19) VCF-style: chr16-56926889-AGGAGCAGGCCACCACCATCTTCCAGTC-A.
Other names: c.2480_2506del, p.Ala827_Gln835del (NM_000339.3); c.2477_2503del, p.Ala826_Gln834del (NM_001126107.2); c.2450_2476del27, p.Ala817_Gln825del (NM_001410896.1).
Identifiers: ClinVar variation 2139377 (VCV002139377.4), dbSNP rs1423250399, ClinGen allele CA721942820.